The following is an entry in ClinVar:

NM_018834.6(MATR3):c.2161G>A (p.Glu721Lys)

Gene: MATR3 (matrin 3; plus strand). Cytogenetic location: 5q31.2.
Variant type: single nucleotide variant.
Coding change: c.2161G>A on transcript NM_018834.6 (MANE Select); coding-DNA position 2161, G replaced by A.
Protein change: p.Glu721Lys; replaces glutamic acid 721 with lysine.
Molecular consequence: missense variant.
Genome position (GRCh38, 1-based): chr5:139,325,452, G>A. VCF-style: chr5-139325452-G-A. GRCh37 (hg19) VCF-style: chr5-138661141-G-A.
Other names: c.2161G>A, p.Glu721Lys (NM_001194954.2, NM_001194955.2, NM_199189.3); c.1297G>A, p.Glu433Lys (NM_001194956.2); c.1147G>A, p.Glu383Lys (NM_001282278.2); short protein forms E721K, E383K, E433K.
Identifiers: ClinVar variation 541137 (VCV000541137.9), dbSNP rs764645698, ClinGen allele CA3433379.

ClinVar aggregate classification (germline): Uncertain significance. Review status: criteria provided, multiple submitters, no conflicts (2 of 4 stars). 2 submissions from 2 submitters: Uncertain significance (2). Last evaluated 2021-09-02.

Conditions:
Amyotrophic lateral sclerosis type 21. Also called: VOCAL CORD AND PHARYNGEAL DYSFUNCTION WITH DISTAL MYOPATHY; MYOPATHY, DISTAL, 2. Identifiers: Orphanet 600, Orphanet 803, MedGen C3807521, MONDO:0011632, OMIM 606070.

Allele frequency attached by ClinVar (database versions not stated): gnomAD 0.00001; ExAC 0.00002; gnomAD exomes 0.00002 and 0.00003.
gnomAD v4.1: 39 of 1,614,044 alleles (0.0024%); highest among the groups gnomAD compares: Non-Finnish European, 0.0032%; no homozygotes.

Submissions (2):

Labcorp Genetics (formerly Invitae), Labcorp
Classification: Uncertain significance for Amyotrophic lateral sclerosis type 21. Last evaluated: 2021-09-02. Review status: criteria provided, single submitter. Criteria: Invitae Variant Classification Sherloc (09022015). Collection method: clinical testing. Allele origin: germline.
Comment: This sequence change replaces glutamic acid with lysine at codon 721 of the MATR3 protein (p.Glu721Lys). The glutamic acid residue is highly conserved and there is a small physicochemical difference between glutamic acid and lysine. This variant is present in population databases (rs764645698, ExAC 0.003%). This variant has not been reported in the literature in individuals affected with MATR3-related conditions. Algorithms developed to predict the effect of missense changes on protein structure and function (SIFT, PolyPhen-2, Align-GVGD) all suggest that this variant is likely to be tolerated. In summary, the available evidence is currently insufficient to determine the role of this variant in disease. Therefore, it has been classified as a Variant of Uncertain Significance.

Revvity Omics, Revvity
Classification: Uncertain significance for Amyotrophic lateral sclerosis type 21. Last evaluated: 2019-06-24. Review status: criteria provided, single submitter. Criteria: ACMG Guidelines, 2015. Collection method: clinical testing. Allele origin: germline.